The following is an entry in ClinVar:

ClinVar aggregate classification (germline): Uncertain significance. Review status: criteria provided, multiple submitters, no conflicts (2 of 4 stars). 2 submissions from 2 submitters: Uncertain significance (2). Last evaluated 2025-11-08.

Conditions:
Inborn genetic diseases. Identifiers: MedGen C0950123, MeSH D030342.

Submissions (2):

Ambry Genetics
Classification: Uncertain significance for Inborn genetic diseases. Last evaluated: 2025-11-08. Review status: criteria provided, single submitter. Criteria: Ambry Variant Classification Scheme 2023. Collection method: clinical testing. Allele origin: germline.

Women's Health and Genetics/Laboratory Corporation of America, LabCorp
Classification: Uncertain significance. Last evaluated: 2025-07-16. Review status: criteria provided, single submitter. Criteria: LabCorp Variant Classification Summary - May 2015. Collection method: clinical testing. Allele origin: germline.
Comment: Variant summary: CACNA1G c.5644C>A (p.Pro1882Thr) results in a non-conservative amino acid change in the encoded protein sequence. Algorithms developed to predict the effect of missense changes on protein structure and function are either unavailable or do not agree on the potential impact of this missense change. The variant was absent in 245366 control chromosomes (gnomAD). The available data on variant occurrences in the general population are insufficient to allow any conclusion about variant significance. To our knowledge, no occurrence of c.5644C>A in individuals affected with Spinocerebellar Ataxia Type 42 and no experimental evidence demonstrating its impact on protein function have been reported. ClinVar contains an entry for this variant (Variation ID: 3375296). Based on the evidence outlined above, the variant was classified as uncertain significance.

NM_018896.5(CACNA1G):c.5644C>A (p.Pro1882Thr)

Gene: CACNA1G (calcium voltage-gated channel subunit alpha1 G; plus strand). Cytogenetic location: 17q21.33.
Variant type: single nucleotide variant.
Coding change: c.5644C>A on transcript NM_018896.5 (MANE Select); coding-DNA position 5644, C replaced by A.
Protein change: p.Pro1882Thr; replaces proline 1882 with threonine.
Molecular consequence: missense variant. On other transcripts: non-coding transcript variant (5).
Genome position (GRCh38, 1-based): chr17:50,618,871, C>A. VCF-style: chr17-50618871-C-A. GRCh37 (hg19) VCF-style: chr17-48696232-C-A.
Other names: c.5644C>A, p.Pro1882Thr (NM_198385.3, NM_001256333.2, NM_198384.3); c.5590C>A, p.Pro1864Thr (NM_198386.3, NM_001256324.2); c.5542C>A, p.Pro1848Thr (NM_198387.3, NM_198396.3, NM_001256329.2 and 2 more transcripts); c.5521C>A, p.Pro1841Thr (NM_198388.3); c.5569C>A, p.Pro1857Thr (NM_001256328.2); c.5509C>A, p.Pro1837Thr (NM_001256330.2, NM_001256326.2); c.5488C>A, p.Pro1830Thr (NM_001256331.2); c.5473C>A, p.Pro1825Thr (NM_001256332.2); and 8 more; short protein forms P1825T, P1830T, P1837T, P1841T, P1844T, P1846T, P1848T, P1855T.
Identifiers: ClinVar variation 3375296 (VCV003375296.3).